The following is an entry in ClinVar:

ClinVar aggregate classification (germline): Uncertain significance (1 of 4 stars; one submission).

Submission:

CeGaT Center for Human Genetics Tuebingen
Classification: Uncertain significance. Last evaluated: 2022-11-01. Review status: criteria provided, single submitter. Criteria: CeGaT Center For Human Genetics Tuebingen Variant Classification Criteria Version 2. Collection method: clinical testing. Allele origin: germline. Affected: yes. Observed: 1 variant allele.
Comment: KCNT2: PM2, PP2

NM_198503.5(KCNT2):c.2910+7387T>C

Gene: KCNT2 (potassium sodium-activated channel subfamily T member 2; minus strand). Cytogenetic location: 1q31.3.
Variant type: single nucleotide variant.
Coding change: c.2910+7387T>C on transcript NM_198503.5 (MANE Select); 7387 bases into the intron after coding-DNA position 2910, T replaced by C.
Molecular consequence: intron variant. On other transcripts: missense variant (1), non-coding transcript variant (1).
Genome position (GRCh38, 1-based): chr1:196,273,473, A>G on the plus strand (T>C on the coding strand, the complement: KCNT2 is on the minus strand). VCF-style: chr1-196273473-A-G. GRCh37 (hg19) VCF-style: chr1-196242603-A-G.
Other names: c.2704T>C, p.Ser902Pro (NM_001287820.3); c.2838+7387T>C (NM_001287819.3); short protein forms S902P.
Identifiers: ClinVar variation 2639675 (VCV002639675.24), dbSNP rs1646608511, ClinGen allele CA343975313.